The following is an entry in ClinVar:

NM_003560.4(PLA2G6):c.729_740del (p.Ala244_Asn247del)

Gene: PLA2G6 (phospholipase A2 group VI; minus strand). Cytogenetic location: 22q13.1.
Variant type: Deletion.
Coding change: c.729_740del on transcript NM_003560.4 (MANE Select); coding-DNA positions 729 to 740, 12 bases deleted (TGCTCGGTGCAA).
Protein change: p.Ala244_Asn247del.
Molecular consequence: inframe deletion. On other transcripts: intron variant (1).
Genome position (GRCh38, 1-based): chr22:38,140,039-38,140,050, TTGCACCGAGCA deleted on the plus strand (TGCTCGGTGCAA on the coding strand, the reverse complement: PLA2G6 is on the minus strand); deleting any 12 consecutive bases within chr22:38,140,039-38,140,056 gives the same sequence; the c. name uses the placement nearest the transcript's 3' end. VCF-style (leftmost placement, unchanged base first): chr22-38140038-GTTGCACCGAGCA-G. GRCh37 (hg19) VCF-style: chr22-38536045-GTTGCACCGAGCA-G.
Other names: NM_003560.4(PLA2G6):c.729_740del; p.Ala244_Asn247del; c.729_740del12 (NM_003560.2); c.729_740del, p.Ala244_Asn247del (NM_001199562.3, NM_001349864.2, NM_001349865.2 and 2 more transcripts); c.195_206del, p.Ala66_Asn69del (NM_001349867.2, NM_001349869.2); c.119+3055_119+3066del (NM_001349868.2).
Identifiers: ClinVar variation 159777 (VCV000159777.13), dbSNP rs587784360, ClinGen allele CA173288.

ClinVar aggregate classification (germline): Conflicting classifications of pathogenicity. Review status: criteria provided, conflicting classifications (1 of 4 stars). 5 submissions from 5 submitters: Pathogenic (1); Likely pathogenic (2); Uncertain significance (2). Last evaluated 2024-07-23.

Conditions:
PLA2G6-associated neurodegeneration (PLAN). Also called: phospholipase A2-associated neurodegeneration. Identifiers: Orphanet 329303, MedGen CN204472, MONDO:0017998.
Neurodegeneration with brain iron accumulation (NBIA). Identifiers: Orphanet 385, MedGen C2931845, MONDO:0018307.
Iron accumulation in brain. Identifiers: MedGen C4021076, HP:0012675.

Submissions (5):

Blueprint Genetics
Classification: Uncertain significance. Last evaluated: 2024-07-23. Review status: criteria provided, single submitter. Criteria: ACMG Guidelines, 2015. Collection method: clinical testing. Allele origin: germline.

GeneDx
Classification: Pathogenic. Last evaluated: 2023-09-18. Review status: criteria provided, single submitter. Criteria: GeneDx Variant Classification Process June 2021. Collection method: clinical testing. Allele origin: germline. Affected: yes.
Comment: In-frame deletion of 4 amino acids in a non-repeat region predicted to critically alter the protein; In silico analysis supports a deleterious effect on protein structure/function; Not observed at significant frequency in large population cohorts (gnomAD); This variant is associated with the following publications: (PMID: 27516098)

Women's Health and Genetics/Laboratory Corporation of America, LabCorp
Classification: Likely pathogenic for Neurodegeneration with brain iron accumulation. Last evaluated: 2023-02-15. Review status: criteria provided, single submitter. Criteria: LabCorp Variant Classification Summary - May 2015. Collection method: clinical testing. Allele origin: germline.
Comment: Variant summary: PLA2G6 c.729_740del12 (p.Ala244_Asn247del) results in an in-frame deletion that is predicted to remove 4 amino acids from the Ankyrin repeat (IPR002110) of the encoded protein. The variant allele was found at a frequency of 4e-06 in 248606 control chromosomes (gnomAD). c.729_740del12 has been reported in the literature in two siblings affected with PLA2G6-associated neurodegeneration (Al-Maawali_2016). These data indicate that the variant is likely to be associated with disease. To our knowledge, no experimental evidence demonstrating an impact on protein function has been reported. Two clinical diagnostic laboratories have submitted clinical-significance assessments for this variant to ClinVar after 2014 and classified the variant as pathogenic (n=1) and as uncertain significance (n=1). Based on the evidence outlined above, the variant was classified as likely pathogenic.

Broad Center for Mendelian Genomics, Broad Institute of MIT and Harvard
Classification: Uncertain significance for PLA2G6-associated neurodegeneration. Last evaluated: 2023-01-24. Review status: criteria provided, single submitter. Criteria: ACMG Guidelines, 2015. Collection method: curation. Allele origin: germline. Inheritance: Autosomal recessive inheritance.
Comment: The p.Ala244_Asn247del variant in PLA2G6 has been reported in 1 individual, in the compound heterozygous state, with PLA2G6-associated neurodegeneration (PMID: 27516098), segregated with disease in 1 affected individual from 1 family (PMID: 27516098), and has been identified in 0.0009% (1/112430) of European (non-Finnish) chromosomes by the Genome Aggregation Database (gnomAD; dbSNP ID: rs587784360). Although this variant has been seen in the general population in a heterozygous state, its frequency is low enough to be consistent with a recessive carrier frequency. This variant has also been reported in ClinVar (Variation ID#: 159777) and has been interpreted as likely pathogenic by Genetic Services Laboratory (University of Chicago) and as pathogenic by GeneDx. This variant is a deletion of 4 amino acids at position 244 and is not predicted to alter the protein reading-frame. It is unclear if this deletion will impact the protein. In summary, the clinical significance of the p.Ala244_Asn247del variant is uncertain. ACMG/AMP Criteria applied: PM2_supporting, PM4 (Richards 2015).

Genetic Services Laboratory, University of Chicago
Classification: Likely pathogenic for iron accumulation in brain. Last evaluated: 2013-02-08. Review status: criteria provided, single submitter. Criteria: ACMG Guidelines, 2007. Collection method: clinical testing. Allele origin: germline. Inheritance: Autosomal recessive inheritance. Affected: yes.

Literature cited by the submitters: PubMed 27516098 (cited by Women's Health and Genetics/Laboratory Corporation of America, LabCorp).